The following is an entry in ClinVar:

ClinVar aggregate classification (germline): Benign/Likely benign. Review status: criteria provided, multiple submitters, no conflicts (2 of 4 stars). 7 submissions from 7 submitters: Benign (2); Likely benign (4). 1 of the submissions does not count toward it. Last evaluated 2026-01-19.

Conditions:
Heterotaxy, visceral, 4, autosomal (HTX4). Identifiers: Orphanet 450, MedGen C3151057, MONDO:0013403, OMIM 613751.

Allele frequency attached by ClinVar (database versions not stated): gnomAD exomes 0.00111; ExAC 0.00137; 1000 Genomes Project 0.00300; 1000 Genomes Project 30x 0.00312; gnomAD 0.00366 and 0.00398; TOPMed 0.00454.
gnomAD v4.1: 1,366 of 1,614,162 alleles (0.085%); highest among the groups gnomAD compares: African/African-American, 1.3%; 13 homozygotes.

Submissions (7):

Labcorp Genetics (formerly Invitae), Labcorp
Classification: Benign for Heterotaxy, visceral, 4, autosomal. Last evaluated: 2026-01-19. Review status: criteria provided, single submitter. Criteria: Invitae Variant Classification Sherloc (09022015). Collection method: clinical testing. Allele origin: germline.

Fulgent Genetics
Classification: Benign for Heterotaxy, visceral, 4, autosomal. Last evaluated: 2021-10-07. Review status: criteria provided, single submitter. Criteria: ACMG Guidelines, 2015. Collection method: clinical testing. Allele origin: unknown.

Mendelics
Classification: Likely benign for Heterotaxy, visceral, 4, autosomal. Last evaluated: 2019-05-28. Review status: criteria provided, single submitter. Criteria: Mendelics Assertion Criteria 2017. Collection method: clinical testing. Allele origin: unknown.

Illumina Laboratory Services, Illumina
Classification: Likely benign for Heterotaxy, visceral, 4, autosomal. Last evaluated: 2017-04-27. Review status: criteria provided, single submitter. Criteria: ICSL Variant Classification Criteria 13 December 2019. Collection method: clinical testing. Allele origin: germline.
Comment: This variant was observed as part of a predisposition screen in an ostensibly healthy population. A literature search was performed for the gene, cDNA change, and amino acid change (where applicable). Publications were found based on this search. The evidence from the literature, in combination with allele frequency data from public databases where available, was sufficient to determine this variant is unlikely to cause disease. Therefore, this variant is classified as likely benign.

Breakthrough Genomics
Classification: Likely benign. Review status: criteria provided, single submitter. Criteria: ACMG Guidelines, 2015. Collection method: not provided. Allele origin: germline. Inheritance: Unknown mechanism. Affected: yes.

PreventionGenetics, part of Exact Sciences
Classification: Likely benign. Review status: criteria provided, single submitter. Criteria: ACMG Guidelines, 2015. Collection method: clinical testing. Allele origin: germline.

OMIM
Classification: Pathogenic for HETEROTAXY, VISCERAL, 4, AUTOSOMAL. Last evaluated: 1999-01-01. Review status: no assertion criteria provided. Collection method: literature only. Allele origin: germline. Not counted in ClinVar's aggregate classification.

Literature cited by the submitters: PubMed 2049719 (cited by Illumina Laboratory Services, Illumina); PubMed 9916847 (cited by Illumina Laboratory Services, Illumina and OMIM); PubMed 21864452 (cited by Illumina Laboratory Services, Illumina).

NM_001106.4(ACVR2B):c.119G>A (p.Arg40His)

Gene: ACVR2B (activin A receptor type 2B; plus strand). Cytogenetic location: 3p22.2.
Variant type: single nucleotide variant.
Coding change: c.119G>A on transcript NM_001106.4 (MANE Select); coding-DNA position 119, G replaced by A.
Protein change: p.Arg40His; replaces arginine 40 with histidine.
Molecular consequence: missense variant.
Genome position (GRCh38, 1-based): chr3:38,477,353, G>A. VCF-style: chr3-38477353-G-A. GRCh37 (hg19) VCF-style: chr3-38518844-G-A.
Other names: short protein forms R40H.
Identifiers: ClinVar variation 6858 (VCV000006858.20), dbSNP rs121434437, ClinGen allele CA281591.
Genomic context (GRCh38, chr3:38,477,353, plus strand): 5'-GGCGTGGGGAGGCTGAGACACGGGAGTGCATCTACTACAACGCCAACTGGGAGCTGGAGC[G>A]CACCAACCAGAGCGGCCTGGAGCGCTGCGAAGGCGAGCAGGACAAGCGGCTGCACTGCTA-3'
Protein context (NP_001097.2, residues 30-50): IYYNANWELE[Arg40His]TNQSGLERCE